The following is an entry in ClinVar:

NM_001113378.2(FANCI):c.976-6C>T

Gene: FANCI (FA complementation group I; plus strand). Cytogenetic location: 15q26.1.
Variant type: single nucleotide variant.
Coding change: c.976-6C>T on transcript NM_001113378.2 (MANE Select); 6 bases into the intron before coding-DNA position 976, C replaced by T.
Molecular consequence: intron variant.
Genome position (GRCh38, 1-based): chr15:89,274,162, C>T. VCF-style: chr15-89274162-C-T. GRCh37 (hg19) VCF-style: chr15-89817393-C-T.
Other names: c.976-6C>T (NM_018193.3, NM_001376911.1); c.697-6C>T (NM_001376910.1).
Identifiers: ClinVar variation 1692564 (VCV001692564.1), dbSNP rs2053316788, ClinGen allele CA972596537.

ClinVar aggregate classification (germline): Uncertain significance (1 of 4 stars; one submission).

Conditions:
Fanconi anemia (FA). Also called: Fanconi's anemia. Identifiers: Orphanet 84, MedGen C0015625, MeSH D005199, MONDO:0019391.

Allele frequency attached by ClinVar (database versions not stated): gnomAD exomes below 0.00001; gnomAD 0.00001.
gnomAD v4.1: 3 of 1,543,664 alleles (0.00019%); highest among the groups gnomAD compares: Non-Finnish European, 0.000088%; no homozygotes.

Submission:

Sema4
Classification: Uncertain significance for Fanconi anemia. Last evaluated: 2021-07-12. Review status: criteria provided, single submitter. Criteria: Sema4 Curation Guidelines. Collection method: curation. Allele origin: germline.
Comment: The FANCI c.976-6C>T variant has not been reported in the literature to our knowledge. It was not observed in the large and broad cohorts of the Genome Aggregation Database (PMID: 32461654). The variant has not been reported in ClinVar. In silico tools suggest the impact of the variant on mRNA splicing is benign, though these predictions have not been confirmed by functional studies. The evidence is insufficient to meet ACMG/AMP criteria for classifying the variant as benign or pathogenic. Thus, the clinical significance of this variant is currently uncertain.